The following is an entry in ClinVar:

ClinVar aggregate classification (germline): Uncertain significance. Review status: criteria provided, multiple submitters, no conflicts (2 of 4 stars). 2 submissions from 2 submitters: Uncertain significance (2). Last evaluated 2025-08-08.

Conditions:
Hereditary cancer-predisposing syndrome. Also called: Hereditary Cancer Syndrome; Tumor predisposition; Hereditary neoplastic syndrome; Neoplastic Syndromes, Hereditary. Identifiers: Orphanet 140162, MedGen C0027672, MeSH D009386, MONDO:0015356.
Haddad syndrome (OHD). Also called: Ondine-Hirschsprung disease. Identifiers: Orphanet 99803, MedGen C1859049, MONDO:0020493.

Submissions (2):

Ambry Genetics
Classification: Uncertain significance for Hereditary cancer-predisposing syndrome. Last evaluated: 2025-08-08. Review status: criteria provided, single submitter. Criteria: Ambry Variant Classification Scheme 2023. Collection method: clinical testing. Allele origin: germline.
Comment: The p.G262D variant (also known as c.785G>A), located in coding exon 3 of the PHOX2B gene, results from a G to A substitution at nucleotide position 785. The glycine at codon 262 is replaced by aspartic acid, an amino acid with similar properties. This amino acid position is conserved. In addition, the in silico prediction for this alteration is inconclusive. Since supporting evidence is limited at this time, the clinical significance of this alteration remains unclear.

Labcorp Genetics (formerly Invitae), Labcorp
Classification: Uncertain significance for Haddad syndrome. Last evaluated: 2024-06-03. Review status: criteria provided, single submitter. Criteria: Invitae Variant Classification Sherloc (09022015). Collection method: clinical testing. Allele origin: germline.
Comment: This sequence change replaces glycine, which is neutral and non-polar, with aspartic acid, which is acidic and polar, at codon 262 of the PHOX2B protein (p.Gly262Asp). This variant is not present in population databases (gnomAD no frequency). This variant has not been reported in the literature in individuals affected with PHOX2B-related conditions. ClinVar contains an entry for this variant (Variation ID: 1041966). Experimental studies and prediction algorithms are not available or were not evaluated, and the functional significance of this variant is currently unknown. In summary, the available evidence is currently insufficient to determine the role of this variant in disease. Therefore, it has been classified as a Variant of Uncertain Significance.

NM_003924.4(PHOX2B):c.785G>A (p.Gly262Asp)

Gene: PHOX2B (paired like homeobox 2B; minus strand). Cytogenetic location: 4p13.
Variant type: single nucleotide variant.
Coding change: c.785G>A on transcript NM_003924.4 (MANE Select); coding-DNA position 785, G replaced by A.
Protein change: p.Gly262Asp; replaces glycine 262 with aspartic acid.
Molecular consequence: missense variant.
Genome position (GRCh38, 1-based): chr4:41,745,967, C>T on the plus strand (G>A on the coding strand, the complement: PHOX2B is on the minus strand). VCF-style: chr4-41745967-C-T. GRCh37 (hg19) VCF-style: chr4-41747984-C-T.
Other names: c.785G>A (NM_003924.3); short protein forms G262D.
Identifiers: ClinVar variation 1041966 (VCV001041966.9), dbSNP rs768420488, ClinGen allele CA356737140.